The following is an entry in ClinVar:

ClinVar aggregate classification (germline): Uncertain significance (1 of 4 stars; one submission).

Conditions:
Ataxia-telangiectasia syndrome (AT). Also called: Cerebello-oculocutaneous telangiectasia; Immunodeficiency with ataxia telangiectasia; Ataxia telangiectasia (A-T); Ataxia-telangiectasia, complementation group E; LOUIS-BAR SYNDROME; Ataxia-telangiectasia. Identifiers: Orphanet 100, MedGen C0004135, MONDO:0008840, OMIM 208900.

Allele frequency attached by ClinVar (database versions not stated): gnomAD 0.00001.
gnomAD v4.1: 1 of 1,613,132 alleles (0.000062%); highest among the groups gnomAD compares: African/African-American, 0.0013%; no homozygotes.

Submission:

Labcorp Genetics (formerly Invitae), Labcorp
Classification: Uncertain significance for Ataxia-telangiectasia syndrome. Last evaluated: 2021-05-31. Review status: criteria provided, single submitter. Criteria: Invitae Variant Classification Sherloc (09022015). Collection method: clinical testing. Allele origin: germline.
Comment: Algorithms developed to predict the effect of sequence changes on RNA splicing suggest that this variant may disrupt the consensus splice site, but this prediction has not been confirmed by published transcriptional studies. In summary, the available evidence is currently insufficient to determine the role of this variant in disease. Therefore, it has been classified as a Variant of Uncertain Significance. This variant has not been reported in the literature in individuals with ATM-related disease. This variant is not present in population databases (ExAC no frequency). This sequence change falls in intron 34 of the ATM gene. It does not directly change the encoded amino acid sequence of the ATM protein.

NM_000051.4(ATM):c.5178-10T>A

Gene: ATM (ATM serine/threonine kinase; plus strand). Cytogenetic location: 11q22.3.
Variant type: single nucleotide variant.
Coding change: c.5178-10T>A on transcript NM_000051.4 (MANE Select); 10 bases into the intron before coding-DNA position 5178, T replaced by A.
Molecular consequence: intron variant.
Genome position (GRCh38, 1-based): chr11:108,301,638, T>A. VCF-style: chr11-108301638-T-A. GRCh37 (hg19) VCF-style: chr11-108172365-T-A.
Other names: c.5178-10T>A (NM_001351834.2).
Identifiers: ClinVar variation 577863 (VCV000577863.8), dbSNP rs1565476613, ClinGen allele CA891842928.